The following is an entry in ClinVar:

NM_198578.4(LRRK2):c.4183T>A (p.Phe1395Ile)

Gene: LRRK2 (leucine rich repeat kinase 2; plus strand). Cytogenetic location: 12q12.
Variant type: single nucleotide variant.
Coding change: c.4183T>A on transcript NM_198578.4 (MANE Select); coding-DNA position 4183, T replaced by A.
Protein change: p.Phe1395Ile; replaces phenylalanine 1395 with isoleucine.
Molecular consequence: missense variant.
Genome position (GRCh38, 1-based): chr12:40,308,690, T>A. VCF-style: chr12-40308690-T-A. GRCh37 (hg19) VCF-style: chr12-40702492-T-A.
Other names: short protein forms F1395I.
Identifiers: ClinVar variation 1738518 (VCV001738518.2), dbSNP rs2499814071, ClinGen allele CA384417935.

ClinVar aggregate classification (germline): Uncertain significance (1 of 4 stars; one submission).

Conditions:
Inborn genetic diseases. Identifiers: MedGen C0950123, MeSH D030342.

Submission:

Ambry Genetics
Classification: Uncertain significance for Inborn genetic diseases. Last evaluated: 2022-08-07. Review status: criteria provided, single submitter. Criteria: Ambry Variant Classification Scheme 2023. Collection method: clinical testing. Allele origin: germline.
Comment: The p.F1395I variant (also known as c.4183T>A), located in coding exon 29 of the LRRK2 gene, results from a T to A substitution at nucleotide position 4183. The phenylalanine at codon 1395 is replaced by isoleucine, an amino acid with highly similar properties. This amino acid position is conserved. In addition, this alteration is predicted to be deleterious by in silico analysis. Since supporting evidence is limited at this time, the clinical significance of this alteration remains unclear.